The following is an entry in ClinVar:

NM_000634.3(CXCR1):c.717A>G (p.Arg239=)

Gene: CXCR1 (C-X-C motif chemokine receptor 1; minus strand). Cytogenetic location: 2q35.
Variant type: single nucleotide variant.
Coding change: c.717A>G on transcript NM_000634.3 (MANE Select); coding-DNA position 717, A replaced by G.
Protein change: p.Arg239=; no amino-acid change (arginine 239 retained).
Molecular consequence: synonymous variant.
Genome position (GRCh38, 1-based): chr2:218,164,495, T>C on the plus strand (A>G on the coding strand, the complement: CXCR1 is on the minus strand). VCF-style: chr2-218164495-T-C. GRCh37 (hg19) VCF-style: chr2-219029218-T-C.
Identifiers: ClinVar variation 3039154 (VCV003039154.2), dbSNP rs1269446865, ClinGen allele CA431406354.
Genomic context (GRCh38, chr2:218,164,495, plus strand): 5'-GTTGTAGGGCAGCCAGCAAAGCAGGAAGATGAGGACGACAGCAAAGATGACCCTCATGGC[T>C]CGGTGCTTCTGCCCCATGTGGGCCTTAAACAGTGTACGCAGGGTGAATCCATAGCAGAAC-3'
Protein context (NP_000625.1, residues 229-249): LFKAHMGQKH[Arg239=]AMRVIFAVVL

ClinVar aggregate classification (germline): Likely benign (0 of 4 stars; one submission).

Conditions:
CXCR1-related disorder. Also called: CXCR1-related condition.

Allele frequency attached by ClinVar (database versions not stated): gnomAD exomes below 0.00001; gnomAD 0.00001; TOPMed 0.00007.
gnomAD v4.1: 9 of 1,614,010 alleles (0.00056%); highest among the groups gnomAD compares: Admixed American, 0.005%; no homozygotes.

Submission:

PreventionGenetics, part of Exact Sciences
Classification: Likely benign for CXCR1-related condition. Last evaluated: 2019-05-21. Review status: no assertion criteria provided. Collection method: clinical testing. Allele origin: germline.
Comment: This variant is classified as likely benign based on ACMG/AMP sequence variant interpretation guidelines (Richards et al. 2015 PMID: 25741868, with internal and published modifications).